The following is an entry in ClinVar:

ClinVar aggregate classification (germline): Likely benign. Review status: criteria provided, multiple submitters, no conflicts (2 of 4 stars). 3 submissions from 3 submitters: Likely benign (2). 1 of the submissions does not count toward it. Last evaluated 2026-01-24.

Conditions:
COL18A1-related disorder. Also called: COL18A1-related disorders; COL18A1-related condition.

Allele frequency attached by ClinVar (database versions not stated): gnomAD exomes 0.00003; TOPMed 0.00003; gnomAD 0.00004 and 0.00005; ExAC 0.00006; ESP Exome Variant Server 0.00017.
gnomAD v4.1: 32 of 1,604,588 alleles (0.002%); highest among the groups gnomAD compares: Middle Eastern, 0.066%; no homozygotes.

Submissions (3):

Labcorp Genetics (formerly Invitae), Labcorp
Classification: Likely benign. Last evaluated: 2026-01-24. Review status: criteria provided, single submitter. Criteria: Invitae Variant Classification Sherloc (09022015). Collection method: clinical testing. Allele origin: germline.

Blueprint Genetics
Classification: Likely benign. Last evaluated: 2024-08-30. Review status: criteria provided, single submitter. Criteria: ACMG Guidelines, 2015. Collection method: clinical testing. Allele origin: germline.

PreventionGenetics, part of Exact Sciences
Classification: Likely benign for COL18A1-related condition. Last evaluated: 2019-09-26. Review status: no assertion criteria provided. Collection method: clinical testing. Allele origin: germline. Not counted in ClinVar's aggregate classification.
Comment: This variant is classified as likely benign based on ACMG/AMP sequence variant interpretation guidelines (Richards et al. 2015 PMID: 25741868, with internal and published modifications).

NM_001379500.1(COL18A1):c.2434-7G>A

Gene: COL18A1 (collagen type XVIII alpha 1 chain; plus strand). Cytogenetic location: 21q22.3.
Variant type: single nucleotide variant.
Coding change: c.2434-7G>A on transcript NM_001379500.1 (MANE Select); 7 bases into the intron before coding-DNA position 2434, G replaced by A.
Molecular consequence: intron variant.
Genome position (GRCh38, 1-based): chr21:45,495,351, G>A. VCF-style: chr21-45495351-G-A. GRCh37 (hg19) VCF-style: chr21-46915265-G-A.
Other names: c.2974-7G>A (NM_030582.3, NM_030582.4); c.3679-7G>A (NM_130444.3).
Identifiers: ClinVar variation 1562179 (VCV001562179.10), dbSNP rs371577158, ClinGen allele CA10067102.